The following is an entry in ClinVar:

ClinVar aggregate classification (germline): Uncertain significance. Review status: criteria provided, multiple submitters, no conflicts (2 of 4 stars). 3 submissions from 3 submitters: Uncertain significance (3). Last evaluated 2025-10-01.

Conditions:
Inborn genetic diseases. Identifiers: MedGen C0950123, MeSH D030342.
Familial focal epilepsy with variable foci (FPEVF). Identifiers: Orphanet 98820, MedGen C1858477, MONDO:0020310.

Allele frequency attached by ClinVar (database versions not stated): gnomAD exomes below 0.00001; TOPMed 0.00001.
gnomAD v4.1: 2 of 1,613,886 alleles (0.00012%); highest among the groups gnomAD compares: Admixed American, 0.0017%; no homozygotes.

Submissions (3):

Labcorp Genetics (formerly Invitae), Labcorp
Classification: Uncertain significance for Familial focal epilepsy with variable foci. Last evaluated: 2025-10-01. Review status: criteria provided, single submitter. Criteria: Invitae Variant Classification Sherloc (09022015). Collection method: clinical testing. Allele origin: germline.
Comment: This sequence change replaces tryptophan, which is neutral and slightly polar, with cysteine, which is neutral and slightly polar, at codon 905 of the DEPDC5 protein (p.Trp905Cys). This variant is present in population databases (no rsID available, gnomAD 0.003%). This missense change has been observed in individual(s) with clinical features of DEPDC5-related condition (PMID: 30093711). ClinVar contains an entry for this variant (Variation ID: 950062). Experimental studies and prediction algorithms are not available or were not evaluated, and the functional significance of this variant is currently unknown. In summary, the available evidence is currently insufficient to determine the role of this variant in disease. Therefore, it has been classified as a Variant of Uncertain Significance.

Ambry Genetics
Classification: Uncertain significance for Inborn genetic diseases. Last evaluated: 2024-07-18. Review status: criteria provided, single submitter. Criteria: Ambry Variant Classification Scheme 2023. Collection method: clinical testing. Allele origin: germline.
Comment: The c.2715G>C (p.W905C) alteration is located in exon 29 (coding exon 28) of the DEPDC5 gene. This alteration results from a G to C substitution at nucleotide position 2715, causing the tryptophan (W) at amino acid position 905 to be replaced by a cysteine (C). Based on data from gnomAD, the C allele has an overall frequency of <0.001% (1/249576) total alleles studied. The highest observed frequency was 0.003% (1/30602) of South Asian alleles. Another alteration causing the same amino acid change, c.2715G>T (p.Trp905Cys), was reported in an individual with features consistent with familial focal epilepsy with variable foci (Baldassari, 2019). This amino acid position is highly conserved in available vertebrate species. This alteration is predicted to be deleterious by in silico analysis. Based on insufficient or conflicting evidence, the clinical significance of this alteration remains unclear.

GeneDx
Classification: Uncertain significance. Last evaluated: 2022-01-20. Review status: criteria provided, single submitter. Criteria: GeneDx Variant Classification Process June 2021. Collection method: clinical testing. Allele origin: germline. Affected: yes.
Comment: Not observed at a significant frequency in large population cohorts (gnomAD); In silico analysis supports that this missense variant has a deleterious effect on protein structure/function; Has not been previously published as pathogenic or benign to our knowledge

Literature cited by the submitters: PubMed 30093711 (cited by Labcorp Genetics (formerly Invitae), Labcorp and Ambry Genetics).

NM_001242896.3(DEPDC5):c.2715G>C (p.Trp905Cys)

Gene: DEPDC5 (DEP domain containing 5, GATOR1 subcomplex subunit; plus strand). Cytogenetic location: 22q12.3.
Variant type: single nucleotide variant.
Coding change: c.2715G>C on transcript NM_001242896.3 (MANE Select); coding-DNA position 2715, G replaced by C.
Protein change: p.Trp905Cys; replaces tryptophan 905 with cysteine.
Molecular consequence: missense variant. On other transcripts: non-coding transcript variant (5).
Genome position (GRCh38, 1-based): chr22:31,843,726, G>C. VCF-style: chr22-31843726-G-C. GRCh37 (hg19) VCF-style: chr22-32239712-G-C.
Other names: c.2688G>C, p.Trp896Cys (NM_001136029.4, NM_001369903.1, NM_014662.6); c.2481G>C, p.Trp827Cys (NM_001242897.2, NM_001363854.2, NM_001364319.2); c.2715G>C, p.Trp905Cys (NM_001363852.2, NM_001364318.2, NM_001364320.2); c.2631G>C, p.Trp877Cys (NM_001369901.1, NM_001369902.1); short protein forms W896C, W827C, W877C, W905C.
Identifiers: ClinVar variation 950062 (VCV000950062.10), dbSNP rs1261463857, ClinGen allele CA411289867.